The following is an entry in ClinVar:

NM_017617.5(NOTCH1):c.6351C>A (p.Asn2117Lys)

Gene: NOTCH1 (notch receptor 1; minus strand). Cytogenetic location: 9q34.3.
Variant type: single nucleotide variant.
Coding change: c.6351C>A on transcript NM_017617.5 (MANE Select); coding-DNA position 6351, C replaced by A.
Protein change: p.Asn2117Lys; replaces asparagine 2117 with lysine.
Molecular consequence: missense variant.
Genome position (GRCh38, 1-based): chr9:136,497,388, G>T on the plus strand (C>A on the coding strand, the complement: NOTCH1 is on the minus strand). VCF-style: chr9-136497388-G-T. GRCh37 (hg19) VCF-style: chr9-139391840-G-T.
Other names: short protein forms N2117K.
Identifiers: ClinVar variation 951781 (VCV000951781.11), dbSNP rs755509796, ClinGen allele CA5339927.

ClinVar aggregate classification (germline): Conflicting classifications of pathogenicity. Review status: criteria provided, conflicting classifications (1 of 4 stars). 2 submissions from 2 submitters: Uncertain significance (1); Likely benign (1). Last evaluated 2022-12-06.

Conditions:
Aortic valve disease 1 (AOVD1). Identifiers: MedGen C3887892, MONDO:0024523, OMIM 109730.
Adams-Oliver syndrome 5 (AOS5). Identifiers: Orphanet 974, MedGen C4014970, MONDO:0014459, OMIM 616028.

Allele frequency attached by ClinVar (database versions not stated): TOPMed 0.00002; ExAC 0.00003; gnomAD exomes 0.00003.

Submissions (2):

Labcorp Genetics (formerly Invitae), Labcorp
Classification: Likely benign for Adams-Oliver syndrome 5. Last evaluated: 2022-12-06. Review status: criteria provided, single submitter. Criteria: Invitae Variant Classification Sherloc (09022015). Collection method: clinical testing. Allele origin: germline.

Juno Genomics, Hangzhou Juno Genomics, Inc
Classification: Uncertain significance for Adams-Oliver syndrome 5; Aortic valve disease 1. Review status: criteria provided, single submitter. Criteria: ACMG Guidelines, 2015. Collection method: clinical testing. Allele origin: germline.
Comment: Absent from controls (or at extremely low frequency if recessive) in Genome Aggregation Database.;Missense variant in a gene that has a low rate of benign missense variation.